The following is an entry in ClinVar:

NM_006642.5(SDCCAG8):c.15G>T (p.Pro5=)

Gene: SDCCAG8 (SHH signaling and ciliogenesis regulator SDCCAG8; plus strand). Cytogenetic location: 1q43.
Variant type: single nucleotide variant.
Coding change: c.15G>T on transcript NM_006642.5 (MANE Select); coding-DNA position 15, G replaced by T.
Protein change: p.Pro5=; no amino-acid change (proline 5 retained).
Molecular consequence: synonymous variant. On other transcripts: 5 prime UTR variant (4).
Genome position (GRCh38, 1-based): chr1:243,256,188, G>T. VCF-style: chr1-243256188-G-T. GRCh37 (hg19) VCF-style: chr1-243419490-G-T.
Other names: c.-1098G>T (NM_001350246.2); c.-986G>T (NM_001350247.2); c.15G>T, p.Pro5= (NM_001350248.2); c.-293G>T (NM_001350249.2); c.-1359G>T (NM_001350251.2); c.15G>T (NM_006642.3).
Identifiers: ClinVar variation 1649550 (VCV001649550.11), dbSNP rs922791738, ClinGen allele CA40436455.

ClinVar aggregate classification (germline): Likely benign. Review status: criteria provided, multiple submitters, no conflicts (2 of 4 stars). 3 submissions from 3 submitters: Likely benign (2). 1 of the submissions does not count toward it. Last evaluated 2024-10-08.

Conditions:
SDCCAG8-related disorder. Also called: SDCCAG8-Related Disorders; SDCCAG8-related condition.
Bardet-Biedl syndrome 16 (BBS16). Identifiers: Orphanet 110, MedGen C3889474, MONDO:0014444, OMIM 615993.
Senior-Loken syndrome 7 (SLSN7). Identifiers: Orphanet 3156, MedGen C3150877, MONDO:0013326, OMIM 613615.

gnomAD v4.1: 1 of 1,614,182 alleles (0.000062%); no homozygotes.

Submissions (3):

Labcorp Genetics (formerly Invitae), Labcorp
Classification: Likely benign for Bardet-Biedl syndrome 16; Senior-Loken syndrome 7. Last evaluated: 2024-10-08. Review status: criteria provided, single submitter. Criteria: Invitae Variant Classification Sherloc (09022015). Collection method: clinical testing. Allele origin: germline.

Blueprint Genetics
Classification: Likely benign. Last evaluated: 2024-02-26. Review status: criteria provided, single submitter. Criteria: ACMG Guidelines, 2015. Collection method: clinical testing. Allele origin: germline.

PreventionGenetics, part of Exact Sciences
Classification: Likely benign for SDCCAG8-related condition. Last evaluated: 2021-11-18. Review status: no assertion criteria provided. Collection method: clinical testing. Allele origin: germline. Not counted in ClinVar's aggregate classification.
Comment: This variant is classified as likely benign based on ACMG/AMP sequence variant interpretation guidelines (Richards et al. 2015 PMID: 25741868, with internal and published modifications).